The following is an entry in ClinVar:

ClinVar aggregate classification (germline): Uncertain significance (1 of 4 stars; one submission).

gnomAD v4.1: 2 of 1,613,084 alleles (0.00012%); highest among the groups gnomAD compares: South Asian, 0.0011%; no homozygotes.

Submission:

GeneDx
Classification: Uncertain significance. Last evaluated: 2026-03-18. Review status: criteria provided, single submitter. Criteria: GeneDx Variant Classification Process June 2021. Collection method: clinical testing. Allele origin: germline.
Comment: Not observed at significant frequency in large population cohorts (gnomAD); In silico analysis supports that this missense variant has a deleterious effect on protein structure/function; Has not been previously published as pathogenic or benign to our knowledge

NM_001384732.1(CPLANE1):c.6195C>G (p.Ser2065Arg)

Gene: CPLANE1 (ciliogenesis and planar polarity effector complex subunit 1; minus strand). Cytogenetic location: 5p13.2.
Variant type: single nucleotide variant.
Coding change: c.6195C>G on transcript NM_001384732.1 (MANE Select); coding-DNA position 6195, C replaced by G.
Protein change: p.Ser2065Arg; replaces serine 2065 with arginine.
Molecular consequence: missense variant.
Genome position (GRCh38, 1-based): chr5:37,170,308, G>C on the plus strand (C>G on the coding strand, the complement: CPLANE1 is on the minus strand). VCF-style: chr5-37170308-G-C. GRCh37 (hg19) VCF-style: chr5-37170410-G-C.
Other names: c.6195C>G, p.Ser2065Arg (NM_023073.4); short protein forms S2065R.
Identifiers: ClinVar variation 5016962 (VCV005016962.1).
Genomic context (GRCh38, chr5:37,170,308, plus strand): 5'-CTGTACAAGTTGTTGTGTATCTGGGAGATTAGCAAAGGATGATCCTACTATTTGCATTAG[G>C]CTCATGAAGTTGATCTGTTGCAGCTTGAATAAAACAAAAATTGAAGCGATATCTTAAAAT-3'
Protein context (NP_001371661.1, residues 2055-2075): LVQLQQINFM[Ser2065Arg]LMQIVGSSFA